The following is an entry in ClinVar:

ClinVar aggregate classification (germline): Conflicting classifications of pathogenicity. Review status: criteria provided, conflicting classifications (1 of 4 stars). 2 submissions from 2 submitters: Pathogenic (1); Uncertain significance (1). Last evaluated 2024-09-03.

Submissions (2):

Women's Health and Genetics/Laboratory Corporation of America, LabCorp
Classification: Uncertain significance. Last evaluated: 2024-09-03. Review status: criteria provided, single submitter. Criteria: LabCorp Variant Classification Summary - May 2015. Collection method: clinical testing. Allele origin: germline.
Comment: Variant summary: PLA2G6 c.671T>C (p.Leu224Pro) results in a non-conservative amino acid change located in the Ankyrin repeat (IPR002110) of the encoded protein sequence. Five of five in-silico tools predict a damaging effect of the variant on protein function. The variant was absent in 251172 control chromosomes (gnomAD). c.671T>C has been reported in the literature in individuals affected with Infantile Neuroaxonal Dystrophy (Kapoor_2016, Kulkarni_2016). These data indicate that the variant may be associated with disease. To our knowledge, no experimental evidence demonstrating an impact on protein function has been reported. The following publications have been ascertained in the context of this evaluation (PMID: 27196560, 27011642). ClinVar contains an entry for this variant (Variation ID: 1323465). Based on the evidence outlined above, the variant was classified as VUS-possibly pathogenic.

Revvity Omics, Revvity
Classification: Pathogenic. Last evaluated: 2021-04-01. Review status: criteria provided, single submitter. Criteria: ACMG Guidelines, 2015. Collection method: clinical testing. Allele origin: germline.

Literature cited by the submitters: PubMed 27196560 (cited by Women's Health and Genetics/Laboratory Corporation of America, LabCorp); PubMed 27011642 (cited by Women's Health and Genetics/Laboratory Corporation of America, LabCorp).

NM_003560.4(PLA2G6):c.671T>C (p.Leu224Pro)

Gene: PLA2G6 (phospholipase A2 group VI; minus strand). Cytogenetic location: 22q13.1.
Variant type: single nucleotide variant.
Coding change: c.671T>C on transcript NM_003560.4 (MANE Select); coding-DNA position 671, T replaced by C.
Protein change: p.Leu224Pro; replaces leucine 224 with proline.
Molecular consequence: missense variant. On other transcripts: intron variant (1).
Genome position (GRCh38, 1-based): chr22:38,140,108, A>G on the plus strand (T>C on the coding strand, the complement: PLA2G6 is on the minus strand). VCF-style: chr22-38140108-A-G. GRCh37 (hg19) VCF-style: chr22-38536115-A-G.
Other names: c.671T>C (NM_003560.2); c.671T>C, p.Leu224Pro (NM_001004426.3, NM_001199562.3, NM_001349864.2 and 2 more transcripts); c.137T>C, p.Leu46Pro (NM_001349867.2, NM_001349869.2); c.119+2997T>C (NM_001349868.2); short protein forms L224P, L46P.
Identifiers: ClinVar variation 1323465 (VCV001323465.6), dbSNP rs2145803751, ClinGen allele CA411531489.